The following is an entry in ClinVar:

ClinVar aggregate classification (germline): Pathogenic. Review status: criteria provided, multiple submitters, no conflicts (2 of 4 stars). 17 submissions from 17 submitters: Pathogenic (14). 3 of the submissions do not count toward it. Last evaluated 2026-01-14.

Conditions:
SPG11-related disorder. Also called: SPG11-related condition.
Charcot-Marie-Tooth disease axonal type 2X. Also called: CHARCOT-MARIE-TOOTH DISEASE, AXONAL, AUTOSOMAL RECESSIVE, TYPE 2X; CHARCOT-MARIE-TOOTH NEUROPATHY, TYPE 2X. Identifiers: Orphanet 466775, MedGen C5569024, MONDO:0014726, OMIM 616668.
Inborn genetic diseases. Identifiers: MedGen C0950123, MeSH D030342.
Hereditary spastic paraplegia. Also called: Familial spastic paraparesis. Identifiers: Orphanet 685, MedGen C0037773, MONDO:0019064. Disease mechanism: loss of function.
Hereditary spastic paraplegia 11. Also called: SPASTIC PARAPLEGIA, AUTOSOMAL RECESSIVE, COMPLICATED, WITH THIN CORPUS CALLOSUM; SPASTIC PARAPLEGIA, AUTOSOMAL RECESSIVE, WITH MENTAL IMPAIRMENT AND THIN CORPUS CALLOSUM; Spastic Paraplegia 11; Spastic paraplegia, mental retardation and thin corpus callosum; Nakamura Osame syndrome; Autosomal recessive hereditary spastic paraplegia, mental impairment, and thin corpus callosum. Identifiers: Orphanet 2822, MedGen C1858479, MONDO:0011445, OMIM 604360.

Allele frequency attached by ClinVar (database versions not stated): gnomAD 0.00001 and 0.00002; gnomAD exomes 0.00003; TOPMed 0.00003; ExAC 0.00005; ESP Exome Variant Server 0.00008.

Submissions (17):

Labcorp Genetics (formerly Invitae), Labcorp
Classification: Pathogenic for Hereditary spastic paraplegia 11. Last evaluated: 2026-01-14. Review status: criteria provided, single submitter. Criteria: Invitae Variant Classification Sherloc (09022015). Collection method: clinical testing. Allele origin: germline.
Comment: This sequence change creates a premature translational stop signal (p.Gln1436Argfs*7) in the SPG11 gene. It is expected to result in an absent or disrupted protein product. Loss-of-function variants in SPG11 are known to be pathogenic (PMID: 19105190, 20110243, 22154821, 26556829). This variant is present in population databases (rs312262759, gnomAD 0.02%). This premature translational stop signal has been observed in individual(s) with autosomal recessive hereditary spastic paraplegia (PMID: 18079167, 24482476). In at least one individual the data is consistent with being in trans (on the opposite chromosome) from a pathogenic variant. It has also been observed to segregate with disease in related individuals. ClinVar contains an entry for this variant (Variation ID: 41315). For these reasons, this variant has been classified as Pathogenic.

3billion
Classification: Pathogenic for Charcot-Marie-Tooth disease axonal type 2X. Last evaluated: 2025-11-26. Review status: criteria provided, single submitter. Criteria: ACMG Guidelines, 2015. Collection method: clinical testing. Allele origin: germline. Affected: yes.
Comment: The variant is observed at an extremely low frequency in the gnomAD v4.1.0 dataset (total allele frequency: 0.003%). Predicted Consequence/Location: Frameshift: predicted to result in a loss or disruption of normal protein function through nonsense-mediated decay (NMD) or protein truncation. Multiple pathogenic variants are reported downstream of the variant. The variant has been reported at least twice as pathogenic with clinical assertions and evidence for the classification (ClinVar ID: VCV000041315 /PMID: 18079167). Therefore, this variant is classified as Pathogenic according to the recommendation of ACMG/AMP guideline.

CeGaT Center for Human Genetics Tuebingen
Classification: Pathogenic. Last evaluated: 2025-11-01. Review status: criteria provided, single submitter. Criteria: CeGaT Center For Human Genetics Tuebingen Variant Classification Criteria Version 2. Collection method: clinical testing. Allele origin: germline. Affected: yes. Observed: 2 variant alleles.
Comment: SPG11: PVS1, PM3:Strong, PM2

Women's Health and Genetics/Laboratory Corporation of America, LabCorp
Classification: Pathogenic for Hereditary spastic paraplegia. Last evaluated: 2025-09-15. Review status: criteria provided, single submitter. Criteria: LabCorp Variant Classification Summary - May 2015. Collection method: clinical testing. Allele origin: germline.
Comment: Variant summary: SPG11 c.4307_4308delAA (p.Gln1436ArgfsX7) results in a premature termination codon, predicted to cause a truncation of the encoded protein or absence of the protein due to nonsense mediated decay, which are commonly known mechanisms for disease. The variant allele was found at a frequency of 3.2e-05 in 251420 control chromosomes. c.4307_4308delAA has been observed in individual(s) affected with Hereditary Spastic Paraplegia, Type 11 (eg. Stevanin_2008). To our knowledge, no experimental evidence demonstrating an impact on protein function has been reported. The following publication has been ascertained in the context of this evaluation (PMID: 18079167). ClinVar contains an entry for this variant (Variation ID: 41315). Based on the evidence outlined above, the variant was classified as pathogenic.

Blueprint Genetics
Classification: Pathogenic for SPG11-related disorders. Last evaluated: 2024-10-10. Review status: criteria provided, single submitter. Criteria: ACMG Guidelines, 2015. Collection method: clinical testing. Allele origin: germline. Affected: yes. Observed: 5 variant alleles.

Mayo Clinic Laboratories, Mayo Clinic
Classification: Pathogenic. Last evaluated: 2023-10-23. Review status: criteria provided, single submitter. Criteria: ACMG Guidelines, 2015. Collection method: clinical testing. Allele origin: germline. Observed: 1 variant allele.
Comment: PP1_strong, PM2_moderate, PM3, PVS1

GeneDx
Classification: Pathogenic. Last evaluated: 2023-06-30. Review status: criteria provided, single submitter. Criteria: GeneDx Variant Classification Process June 2021. Collection method: clinical testing. Allele origin: germline. Affected: yes.
Comment: Frameshift variant predicted to result in protein truncation or nonsense mediated decay in a gene for which loss of function is a known mechanism of disease; Not observed at significant frequency in large population cohorts (gnomAD); This variant is associated with the following publications: (PMID: 18586399, 30081747, 19105190, 24482476, 29980238, 26374131, 24833714, 18079167, 31589614, 32214227, 33098801, 33619735, 35872528)

Ambry Genetics
Classification: Pathogenic for Inborn genetic diseases. Last evaluated: 2022-12-14. Review status: criteria provided, single submitter. Criteria: Ambry Variant Classification Scheme 2023. Collection method: clinical testing. Allele origin: germline.
Comment: The c.4307_4308delAA (p.Q1436Rfs*7) alteration, located in exon 25 (coding exon 25) of the SPG11 gene, consists of a deletion of 2 nucleotides from position 4307 to 4308, causing a translational frameshift with a predicted alternate stop codon after 7 amino acids. This alteration is expected to result in loss of function by premature protein truncation or nonsense-mediated mRNA decay. Based on data from gnomAD, the c.4307_4308delAA (p.Q1436Rfs*7) alteration has an overall frequency of 0.004% (10/282800) total alleles studied. The highest observed frequency was 0.012% (3/24962) of African alleles. This alteration has been detected in the homozygous state or in conjunction with a second disease-causing allele in multiple individuals with SPG11-related neurologic disorders (Stevanin, 2008; Lynch, 2016; Pensato, 2014; Denora, 2009; Chen, 2008; Hengel 2020; Zech 2020; Shi 2022; Utz 2022; Dosi, 2021). Based on the available evidence, this alteration is classified as pathogenic.

Institute of Human Genetics Munich, TUM University Hospital
Classification: Pathogenic for Hereditary spastic paraplegia 11. Last evaluated: 2021-06-25. Review status: criteria provided, single submitter. Criteria: Classification criteria August 2017. Collection method: clinical testing. Allele origin: inherited. Inheritance: Autosomal recessive inheritance. Affected: yes. Observed: 1 variant allele.

Institute of Medical Genetics and Applied Genomics, University Hospital Tübingen
Classification: Pathogenic. Last evaluated: 2020-10-23. Review status: criteria provided, single submitter. Criteria: ACMG Guidelines, 2015. Collection method: clinical testing. Allele origin: germline. Inheritance: Unknown mechanism. Affected: yes.

Centre for Mendelian Genomics, University Medical Centre Ljubljana
Classification: Pathogenic for Hereditary spastic paraplegia 11. Last evaluated: 2019-01-10. Review status: criteria provided, single submitter. Criteria: ACMG Guidelines, 2015. Collection method: clinical testing. Allele origin: unknown. Affected: yes.
Comment: This variant was classified as: Pathogenic. The following ACMG criteria were applied in classifying this variant: PVS1,PM2,PP5.

Athena Diagnostics
Classification: Pathogenic. Last evaluated: 2017-03-28. Review status: criteria provided, single submitter. Criteria: Athena Diagnostics Criteria. Collection method: clinical testing. Allele origin: germline.

Genome-Nilou Lab
Classification: Pathogenic for Hereditary spastic paraplegia 11. Review status: criteria provided, single submitter. Criteria: ACMG Guidelines, 2015. Collection method: clinical testing. Allele origin: germline.

Neuberg Centre For Genomic Medicine, NCGM
Classification: Pathogenic for Hereditary spastic paraplegia 11. Review status: criteria provided, single submitter. Criteria: ACMG Guidelines, 2015. Collection method: clinical testing. Allele origin: germline. Inheritance: Autosomal recessive inheritance. Affected: yes.
Comment: The frameshift deletion p.Q1436Rfs*7 in SPG11 (NM_025137.4) has been reported to ClinVar as Pathogenic. This variant has been observed in individuals affected with autosomal recessive hereditary spastic paraplegia and to segregate with disease in a family (Stevanin G et al, 2008; Novarino G et al, 2014). The p.Q1436Rfs*7 variant is observed in 1/16,256 (0.0062%) alleles from individuals of African background in gnomAD Exomes and is novel (not in any individuals) in 1000 Genomes. This variant is predicted to cause loss of normal protein function through protein truncation caused a frameshift mutation. The frame shifted sequence continues 7 residues until a stop codon is reached. The gene SPG11 has a low rate of benign loss of function variants as indicated by a high LoF variants Z-Score of 3.29. The p.Q1436Rfs*7 variant is a loss of function variant in the gene SPG11, which is intolerant of Loss of Function variants, as indicated by the presence of existing pathogenic loss of function variant NP_079413.3:p.L68Ffs*2 and 156 others. There are 83 downstream pathogenic loss of function variants, with the furthest variant being 952 residues downstream of the variant p.Q1436Rfs*7. For these reasons, this variant has been classified as Pathogenic.

Solve-RD Consortium
Classification: Likely pathogenic for Charcot-Marie-Tooth disease axonal type 2X. Last evaluated: 2022-06-01. Review status: no assertion criteria provided. Collection method: provider interpretation. Allele origin: inherited. Affected: yes. Not counted in ClinVar's aggregate classification.
Comment: Variant confirmed as disease-causing by referring clinical team

Variant identified during reanalysis of unsolved cases by the Solve-RD project. The Solve-RD project has received funding from the European Union’s Horizon 2020 research and innovation programme under grant agreement No 779257.

Section for Clinical Neurogenetics, University of Tübingen
Classification: Pathogenic for Hereditary spastic paraplegia 11. Last evaluated: 2019-08-01. Review status: no assertion criteria provided. Collection method: research. Allele origin: germline. Affected: yes. Not counted in ClinVar's aggregate classification.

GeneReviews
No classification provided. Condition: Hereditary spastic paraplegia 11. Review status: no classification provided. Collection method: literature only. Allele origin: unknown. Not counted in ClinVar's aggregate classification.

Literature cited by the submitters: PubMed 19105190 (cited by 4 submitters); PubMed 20110243 (cited by Labcorp Genetics (formerly Invitae), Labcorp); PubMed 22154821 (cited by Labcorp Genetics (formerly Invitae), Labcorp); PubMed 26556829 (cited by Labcorp Genetics (formerly Invitae), Labcorp); PubMed 18079167 (cited by 8 submitters); PubMed 24482476 (cited by 4 submitters); PubMed 32214227 (cited by 3 submitters); PubMed 18586399 (cited by Ambry Genetics and Athena Diagnostics); PubMed 24833714 (cited by Ambry Genetics and Athena Diagnostics); PubMed 26374131 (cited by Ambry Genetics and Athena Diagnostics); PubMed 33098801 (cited by Ambry Genetics); PubMed 33866115 (cited by Ambry Genetics); PubMed 35572931 (cited by Ambry Genetics); PubMed 35906604 (cited by Ambry Genetics); PubMed 18361476 (cited by Athena Diagnostics and GeneReviews); PubMed 39825153 (cited by Solve-RD Consortium); PubMed 20301389 (cited by GeneReviews); NCBI Bookshelf NBK1210 (cited by GeneReviews).

NM_025137.4(SPG11):c.4307_4308del (p.Gln1436fs)

Genes: SPG11 (SPG11 vesicle trafficking associated, spatacsin; minus strand), LOC130056973 (ATAC-STARR-seq lymphoblastoid active region 9341; plus strand). Cytogenetic location: 15q21.1.
Variant type: Deletion.
Coding change: c.4307_4308del on transcript NM_025137.4 (MANE Select); coding-DNA positions 4307 to 4308, 2 bases deleted (AA; older notation c.4307_4308delAA).
Protein change: p.Gln1436fs; shifts the reading frame from glutamine 1436.
Molecular consequence: frameshift variant.
Genome position (GRCh38, 1-based): chr15:44,596,209-44,596,210, TT deleted on the plus strand (AA on the coding strand, the reverse complement: SPG11 is on the minus strand). VCF-style (leftmost placement, unchanged base first): chr15-44596208-CTT-C. GRCh37 (hg19) VCF-style: chr15-44888406-CTT-C.
Other names: c.4307_4308del, p.Gln1436fs (NM_001160227.2); c.4307_4308delAA (NM_025137.4); short protein forms Q1436fs.
Identifiers: ClinVar variation 41315 (VCV000041315.66), dbSNP rs312262759, ClinGen allele CA344345.